The following is an entry in ClinVar:

ClinVar aggregate classification (germline): Uncertain significance (1 of 4 stars; one submission).

gnomAD v4.1: 1 of 1,614,122 alleles (0.000062%); no homozygotes.

Submission:

Ambry Genetics
Classification: Uncertain significance. Last evaluated: 2024-03-27. Review status: criteria provided, single submitter. Criteria: Ambry Variant Classification Scheme 2023. Collection method: clinical testing. Allele origin: germline.
Comment: The p.H450R variant (also known as c.1349A>G), located in coding exon 1 of the MLH3 gene, results from an A to G substitution at nucleotide position 1349. The histidine at codon 450 is replaced by arginine, an amino acid with highly similar properties. This amino acid position is conserved. In addition, this alteration is predicted to be tolerated by in silico analysis. Since supporting evidence is limited at this time, the clinical significance of this alteration remains unclear.

NM_001040108.2(MLH3):c.1349A>G (p.His450Arg)

Gene: MLH3 (mutL homolog 3; minus strand). Cytogenetic location: 14q24.3.
Variant type: single nucleotide variant.
Coding change: c.1349A>G on transcript NM_001040108.2 (MANE Select); coding-DNA position 1349, A replaced by G.
Protein change: p.His450Arg; replaces histidine 450 with arginine.
Molecular consequence: missense variant.
Genome position (GRCh38, 1-based): chr14:75,048,307, T>C on the plus strand (A>G on the coding strand, the complement: MLH3 is on the minus strand). VCF-style: chr14-75048307-T-C. GRCh37 (hg19) VCF-style: chr14-75515010-T-C.
Other names: c.1349A>G, p.His450Arg (NM_014381.3); short protein forms H450R.
Identifiers: ClinVar variation 1770540 (VCV001770540.2), dbSNP rs2503297727, ClinGen allele CA390446308.
Genomic context (GRCh38, chr14:75,048,307, plus strand): 5'-ATCTTTGATTCTGAGCAAGAGCTGTCTTTGTTTTGTAAAGATGGCTCTGTCATTTTGCTA[T>C]GGCCTGGACCACCTGATTCATAAATGTACAAAAATGCATCATTTGTATTTTTTCTGGTAG-3'
Protein context (NP_001035197.1, residues 440-460): LYIYESGGPG[His450Arg]SKMTEPSLQN